The following is an entry in ClinVar:

NM_001184880.2(PCDH19):c.994G>C (p.Val332Leu)

Gene: PCDH19 (protocadherin 19; minus strand). Cytogenetic location: Xq22.1.
Variant type: single nucleotide variant.
Coding change: c.994G>C on transcript NM_001184880.2 (MANE Select); coding-DNA position 994, G replaced by C.
Protein change: p.Val332Leu; replaces valine 332 with leucine.
Molecular consequence: missense variant.
Genome position (GRCh38, 1-based): chrX:100,407,604, C>G on the plus strand (G>C on the coding strand, the complement: PCDH19 is on the minus strand). VCF-style: chrX-100407604-C-G. GRCh37 (hg19) VCF-style: chrX-99662602-C-G.
Other names: c.994G>C, p.Val332Leu (NM_001105243.2, NM_020766.3); short protein forms V332L.
Identifiers: ClinVar variation 589998 (VCV000589998.15), dbSNP rs1396289338, ClinGen allele CA414004839.

ClinVar aggregate classification (germline): Uncertain significance. Review status: criteria provided, multiple submitters, no conflicts (2 of 4 stars). 2 submissions from 2 submitters: Uncertain significance (2). Last evaluated 2022-11-15.

Conditions:
Inborn genetic diseases. Identifiers: MedGen C0950123, MeSH D030342.
Developmental and epileptic encephalopathy, 9 (DEE9). Also called: Early infantile epileptic encephalopathy 9; EPILEPSY, FEMALE-RESTRICTED, WITH MENTAL RETARDATION; JUBERG-HELLMAN SYNDROME; PCDH19-Related X-Linked Female-Limited Epilepsy with Mental Retardation. Identifiers: Orphanet 101039, Orphanet 2076, MedGen C1848137, MONDO:0010246, OMIM 300088. Disease mechanism: loss of function.

Allele frequency attached by ClinVar (database versions not stated): gnomAD exomes 0.00001 and 0.00003; gnomAD 0.00002; TOPMed 0.00002.
gnomAD v4.1: 33 of 1,210,537 alleles (0.0027%); highest among the groups gnomAD compares: Non-Finnish European, 0.0034%; no homozygotes.

Submissions (2):

Labcorp Genetics (formerly Invitae), Labcorp
Classification: Uncertain significance for Developmental and epileptic encephalopathy, 9. Last evaluated: 2022-11-15. Review status: criteria provided, single submitter. Criteria: Invitae Variant Classification Sherloc (09022015). Collection method: clinical testing. Allele origin: germline.
Comment: In summary, the available evidence is currently insufficient to determine the role of this variant in disease. Therefore, it has been classified as a Variant of Uncertain Significance. Advanced modeling of protein sequence and biophysical properties (such as structural, functional, and spatial information, amino acid conservation, physicochemical variation, residue mobility, and thermodynamic stability) has been performed at Invitae for this missense variant, however the output from this modeling did not meet the statistical confidence thresholds required to predict the impact of this variant on PCDH19 protein function. ClinVar contains an entry for this variant (Variation ID: 589998). This sequence change replaces valine, which is neutral and non-polar, with leucine, which is neutral and non-polar, at codon 332 of the PCDH19 protein (p.Val332Leu). This variant has not been reported in the literature in individuals affected with PCDH19-related conditions. This variant is present in population databases (no rsID available, gnomAD 0.001%).

Ambry Genetics
Classification: Uncertain significance for Inborn genetic diseases. Last evaluated: 2016-12-21. Review status: criteria provided, single submitter. Criteria: Ambry Variant Classification Scheme 2023. Collection method: clinical testing. Allele origin: germline.
Comment: The p.V332L variant (also known as c.994G>C), located in coding exon 1 of the PCDH19 gene, results from a G to C substitution at nucleotide position 994. The valine at codon 332 is replaced by leucine, an amino acid with highly similar properties. This amino acid position is highly conserved in available vertebrate species. In addition, the in silico prediction for this alteration is inconclusive. Since supporting evidence is limited at this time, the clinical significance of this alteration remains unclear.